The following is an entry in ClinVar:

ClinVar aggregate classification (germline): Uncertain significance (1 of 4 stars; one submission).

gnomAD v4.1: 1 of 1,521,808 alleles (0.000066%); highest among the groups gnomAD compares: Non-Finnish European, 0.000088%; no homozygotes.

Submission:

Labcorp Genetics (formerly Invitae), Labcorp
Classification: Uncertain significance. Last evaluated: 2021-03-29. Review status: criteria provided, single submitter. Criteria: Invitae Variant Classification Sherloc (09022015). Collection method: clinical testing. Allele origin: germline.
Comment: Algorithms developed to predict the effect of missense changes on protein structure and function (SIFT, PolyPhen-2, Align-GVGD) all suggest that this variant is likely to be tolerated, but these predictions have not been confirmed by published functional studies and their clinical significance is uncertain. In summary, the available evidence is currently insufficient to determine the role of this variant in disease. Therefore, it has been classified as a Variant of Uncertain Significance. This variant has not been reported in the literature in individuals with FGF12-related conditions. This variant is not present in population databases (ExAC no frequency). This sequence change replaces valine with isoleucine at codon 140 of the FGF12 protein (p.Val140Ile). The valine residue is moderately conserved and there is a small physicochemical difference between valine and isoleucine.

NM_004113.6(FGF12):c.232G>A (p.Val78Ile)

Gene: FGF12 (fibroblast growth factor 12; minus strand). Cytogenetic location: 3q28.
Variant type: single nucleotide variant.
Coding change: c.232G>A on transcript NM_004113.6 (MANE Select); coding-DNA position 232, G replaced by A.
Protein change: p.Val78Ile; replaces valine 78 with isoleucine.
Molecular consequence: missense variant.
Genome position (GRCh38, 1-based): chr3:192,170,653, C>T on the plus strand (G>A on the coding strand, the complement: FGF12 is on the minus strand). VCF-style: chr3-192170653-C-T. GRCh37 (hg19) VCF-style: chr3-191888442-C-T.
Other names: c.121G>A, p.Val41Ile (NM_001377292.1); c.160G>A, p.Val54Ile (NM_001377293.1, NM_001377294.1); c.418G>A, p.Val140Ile (NM_021032.5); short protein forms V41I, V140I, V54I, V78I.
Identifiers: ClinVar variation 1521286 (VCV001521286.8), dbSNP rs1291475870, ClinGen allele CA355866273.
Genomic context (GRCh38, chr3:192,170,653, plus strand): 5'-AATAGATCACATAGTAGTTTTCAAACACAGATTCCTTGAATTTGCATTCTGGAGTGAAAA[C>T]ATCCTGTAGGAAAAAAAAAAAAAGACACAAAAAAGAGAAATGATTTAAAGGTGAATCAGC-3'
Protein context (NP_004104.3, residues 68-88): NGEGYLYSSD[Val78Ile]FTPECKFKES